The following is an entry in ClinVar:

NM_000135.4(FANCA):c.3364C>T (p.His1122Tyr)

Gene: FANCA (FA complementation group A; minus strand). Cytogenetic location: 16q24.3.
Variant type: single nucleotide variant.
Coding change: c.3364C>T on transcript NM_000135.4 (MANE Select); coding-DNA position 3364, C replaced by T.
Protein change: p.His1122Tyr; replaces histidine 1122 with tyrosine.
Molecular consequence: missense variant.
Genome position (GRCh38, 1-based): chr16:89,746,875, G>A on the plus strand (C>T on the coding strand, the complement: FANCA is on the minus strand). VCF-style: chr16-89746875-G-A. GRCh37 (hg19) VCF-style: chr16-89813283-G-A.
Other names: c.3364C>T, p.His1122Tyr (NM_001286167.3); short protein forms H1122Y.
Identifiers: ClinVar variation 1717181 (VCV001717181.7), dbSNP rs1363208672, ClinGen allele CA397486131.

ClinVar aggregate classification (germline): Uncertain significance. Review status: criteria provided, multiple submitters, no conflicts (2 of 4 stars). 2 submissions from 2 submitters: Uncertain significance (2). Last evaluated 2023-04-12.

Conditions:
Inborn genetic diseases. Identifiers: MedGen C0950123, MeSH D030342.
Fanconi anemia (FA). Also called: Fanconi's anemia. Identifiers: Orphanet 84, MedGen C0015625, MeSH D005199, MONDO:0019391.

Submissions (2):

Labcorp Genetics (formerly Invitae), Labcorp
Classification: Uncertain significance for Fanconi anemia. Last evaluated: 2023-04-12. Review status: criteria provided, single submitter. Criteria: Invitae Variant Classification Sherloc (09022015). Collection method: clinical testing. Allele origin: germline.
Comment: ClinVar contains an entry for this variant (Variation ID: 1717181). This variant has not been reported in the literature in individuals affected with FANCA-related conditions. This variant is not present in population databases (gnomAD no frequency). This sequence change replaces histidine, which is basic and polar, with tyrosine, which is neutral and polar, at codon 1122 of the FANCA protein (p.His1122Tyr). Advanced modeling of protein sequence and biophysical properties (such as structural, functional, and spatial information, amino acid conservation, physicochemical variation, residue mobility, and thermodynamic stability) has been performed at Invitae for this missense variant, however the output from this modeling did not meet the statistical confidence thresholds required to predict the impact of this variant on FANCA protein function. In summary, the available evidence is currently insufficient to determine the role of this variant in disease. Therefore, it has been classified as a Variant of Uncertain Significance.

Ambry Genetics
Classification: Uncertain significance for Inborn genetic diseases. Last evaluated: 2022-09-16. Review status: criteria provided, single submitter. Criteria: Ambry Variant Classification Scheme 2023. Collection method: clinical testing. Allele origin: germline.